The following is an entry in ClinVar:

ClinVar aggregate classification (germline): Uncertain significance (1 of 4 stars; one submission).

gnomAD v4.1: 26 of 1,612,996 alleles (0.0016%); highest among the groups gnomAD compares: South Asian, 0.016%; no homozygotes.

Submission:

Labcorp Genetics (formerly Invitae), Labcorp
Classification: Uncertain significance. Last evaluated: 2024-02-23. Review status: criteria provided, single submitter. Criteria: Invitae Variant Classification Sherloc (09022015). Collection method: clinical testing. Allele origin: germline.
Comment: This sequence change replaces arginine, which is basic and polar, with glutamine, which is neutral and polar, at codon 359 of the KCNQ4 protein (p.Arg359Gln). This variant is present in population databases (rs781530919, gnomAD 0.01%). This variant has not been reported in the literature in individuals affected with KCNQ4-related conditions. Advanced modeling of protein sequence and biophysical properties (such as structural, functional, and spatial information, amino acid conservation, physicochemical variation, residue mobility, and thermodynamic stability) has been performed at Invitae for this missense variant, however the output from this modeling did not meet the statistical confidence thresholds required to predict the impact of this variant on KCNQ4 protein function. In summary, the available evidence is currently insufficient to determine the role of this variant in disease. Therefore, it has been classified as a Variant of Uncertain Significance.

NM_004700.4(KCNQ4):c.1076G>A (p.Arg359Gln)

Gene: KCNQ4 (potassium voltage-gated channel subfamily Q member 4; plus strand). Cytogenetic location: 1p34.2.
Variant type: single nucleotide variant.
Coding change: c.1076G>A on transcript NM_004700.4 (MANE Select); coding-DNA position 1076, G replaced by A.
Protein change: p.Arg359Gln; replaces arginine 359 with glutamine.
Molecular consequence: missense variant.
Genome position (GRCh38, 1-based): chr1:40,822,348, G>A. VCF-style: chr1-40822348-G-A. GRCh37 (hg19) VCF-style: chr1-41288020-G-A.
Other names: c.1076G>A, p.Arg359Gln (NM_172163.3); short protein forms R359Q.
Identifiers: ClinVar variation 3611733 (VCV003611733.2).